The following is an entry in ClinVar:

ClinVar aggregate classification (germline): Uncertain significance (1 of 4 stars; one submission).

Allele frequency attached by ClinVar (database versions not stated): ExAC 0.00002; gnomAD exomes 0.00002.
gnomAD v4.1: 27 of 1,612,726 alleles (0.0017%); highest among the groups gnomAD compares: South Asian, 0.029%; 1 homozygote.

Submission:

Labcorp Genetics (formerly Invitae), Labcorp
Classification: Uncertain significance. Last evaluated: 2026-01-05. Review status: criteria provided, single submitter. Criteria: Invitae Variant Classification Sherloc (09022015). Collection method: clinical testing. Allele origin: germline.
Comment: This sequence change replaces isoleucine, which is neutral and non-polar, with valine, which is neutral and non-polar, at codon 175 of the MYH3 protein (p.Ile175Val). This variant is present in population databases (rs748140522, gnomAD 0.02%). This variant has not been reported in the literature in individuals affected with MYH3-related conditions. ClinVar contains an entry for this variant (Variation ID: 2157337). Invitae Evidence Modeling of protein sequence and biophysical properties (such as structural, functional, and spatial information, amino acid conservation, physicochemical variation, residue mobility, and thermodynamic stability) indicates that this missense variant is not expected to disrupt MYH3 protein function with a negative predictive value of 95%. In summary, the available evidence is currently insufficient to determine the role of this variant in disease. Therefore, it has been classified as a Variant of Uncertain Significance.

NM_002470.4(MYH3):c.523A>G (p.Ile175Val)

Gene: MYH3 (myosin heavy chain 3; minus strand). Cytogenetic location: 17p13.1.
Variant type: single nucleotide variant.
Coding change: c.523A>G on transcript NM_002470.4 (MANE Select); coding-DNA position 523, A replaced by G.
Protein change: p.Ile175Val; replaces isoleucine 175 with valine.
Molecular consequence: missense variant.
Genome position (GRCh38, 1-based): chr17:10,650,384, T>C on the plus strand (A>G on the coding strand, the complement: MYH3 is on the minus strand). VCF-style: chr17-10650384-T-C. GRCh37 (hg19) VCF-style: chr17-10553701-T-C.
Other names: short protein forms I175V.
Identifiers: ClinVar variation 2157337 (VCV002157337.4), dbSNP rs748140522, ClinGen allele CA8393248.